The following is an entry in ClinVar:

NM_002207.3(ITGA9):c.1081A>G (p.Asn361Asp)

Gene: ITGA9 (integrin subunit alpha 9; plus strand). Cytogenetic location: 3p22.2.
Variant type: single nucleotide variant.
Coding change: c.1081A>G on transcript NM_002207.3 (MANE Select); coding-DNA position 1081, A replaced by G.
Protein change: p.Asn361Asp; replaces asparagine 361 with aspartic acid.
Molecular consequence: missense variant.
Genome position (GRCh38, 1-based): chr3:37,517,549, A>G. VCF-style: chr3-37517549-A-G. GRCh37 (hg19) VCF-style: chr3-37559040-A-G.
Other names: short protein forms N361D.
Identifiers: ClinVar variation 3035416 (VCV003035416.2), dbSNP rs150482056, ClinGen allele CA2310651.

ClinVar aggregate classification (germline): Benign (0 of 4 stars; one submission).

Conditions:
ITGA9-related disorder. Also called: ITGA9-related condition.

Allele frequency attached by ClinVar (database versions not stated): 1000 Genomes Project 30x 0.00422; 1000 Genomes Project 0.00439; ESP Exome Variant Server 0.00454; TOPMed 0.00471; gnomAD 0.00528; ExAC 0.00779.
gnomAD v4.1: 3,470 of 1,600,178 alleles (0.22%); highest among the groups gnomAD compares: African/African-American, 1.1%; 28 homozygotes.

Submission:

PreventionGenetics, part of Exact Sciences
Classification: Benign for ITGA9-related condition. Last evaluated: 2019-09-26. Review status: no assertion criteria provided. Collection method: clinical testing. Allele origin: germline.
Comment: This variant is classified as benign based on ACMG/AMP sequence variant interpretation guidelines (Richards et al. 2015 PMID: 25741868, with internal and published modifications).